The following is an entry in ClinVar:

ClinVar aggregate classification (germline): Pathogenic (1 of 4 stars; one submission).

Allele frequency attached by ClinVar (database versions not stated): gnomAD exomes 0.00001.
gnomAD v4.1: 14 of 1,613,670 alleles (0.00087%); highest among the groups gnomAD compares: Non-Finnish European, 0.0011%; no homozygotes.

Submission:

Labcorp Genetics (formerly Invitae), Labcorp
Classification: Pathogenic. Last evaluated: 2023-12-17. Review status: criteria provided, single submitter. Criteria: Invitae Variant Classification Sherloc (09022015). Collection method: clinical testing. Allele origin: germline.
Comment: This sequence change creates a premature translational stop signal (p.Glu411*) in the FREM2 gene. It is expected to result in an absent or disrupted protein product. Loss-of-function variants in FREM2 are known to be pathogenic (PMID: 18203166, 26552811). This variant is not present in population databases (gnomAD no frequency). This variant has not been reported in the literature in individuals affected with FREM2-related conditions. For these reasons, this variant has been classified as Pathogenic.

Literature cited by the submitters: PubMed 18203166; PubMed 26552811.

NM_207361.6(FREM2):c.1231G>T (p.Glu411Ter)

Gene: FREM2 (FRAS1 related extracellular matrix 2; plus strand). Cytogenetic location: 13q13.3.
Variant type: single nucleotide variant.
Coding change: c.1231G>T on transcript NM_207361.6 (MANE Select); coding-DNA position 1231, G replaced by T.
Protein change: p.Glu411Ter; replaces glutamic acid 411 with a stop codon.
Molecular consequence: nonsense.
Genome position (GRCh38, 1-based): chr13:38,688,575, G>T. VCF-style: chr13-38688575-G-T. GRCh37 (hg19) VCF-style: chr13-39262712-G-T.
Other names: short protein forms E411*.
Identifiers: ClinVar variation 2786027 (VCV002786027.3), dbSNP rs1324418611, ClinGen allele CA387885251.